The following is an entry in ClinVar:

NM_006514.4(SCN10A):c.3675T>G (p.Ile1225Met)

Gene: SCN10A (sodium voltage-gated channel alpha subunit 10; minus strand). Cytogenetic location: 3p22.2.
Variant type: single nucleotide variant.
Coding change: c.3675T>G on transcript NM_006514.4 (MANE Select); coding-DNA position 3675, T replaced by G.
Protein change: p.Ile1225Met; replaces isoleucine 1225 with methionine.
Molecular consequence: missense variant.
Genome position (GRCh38, 1-based): chr3:38,718,659, A>C on the plus strand (T>G on the coding strand, the complement: SCN10A is on the minus strand). VCF-style: chr3-38718659-A-C. GRCh37 (hg19) VCF-style: chr3-38760150-A-C.
Other names: p.Ile1225Met; c.3672T>G, p.Ile1224Met (NM_001293306.2); c.3381T>G, p.Ile1127Met (NM_001293307.2); short protein forms I1225M, I1127M, I1224M.
Identifiers: ClinVar variation 532074 (VCV000532074.12), dbSNP rs371834340, ClinGen allele CA2320173.

ClinVar aggregate classification (germline): Conflicting classifications of pathogenicity. Review status: criteria provided, conflicting classifications (1 of 4 stars). 5 submissions from 5 submitters: Uncertain significance (4); Likely benign (1). Last evaluated 2025-12-19.

Conditions:
SCN10A-related disorder. Also called: SCN10A-related condition.
Cardiovascular phenotype. Identifiers: MedGen CN230736.
Brugada syndrome. Also called: Sudden unexpected nocturnal death syndrome; Sudden unexplained nocturnal death syndrome; Sudden Unexplained Death Syndrome; Sudden Unexplained Nocturnal Death Syndrome (SUNDS). Identifiers: Orphanet 130, MedGen C1142166, MONDO:0015263.

Allele frequency attached by ClinVar (database versions not stated): ExAC 0.00002; gnomAD exomes 0.00004 and 0.00006; TOPMed 0.00005; gnomAD 0.00007 and 0.00008; ESP Exome Variant Server 0.00015.
gnomAD v4.1: 107 of 1,613,998 alleles (0.0066%); highest among the groups gnomAD compares: Non-Finnish European, 0.0082%; no homozygotes.

Submissions (5):

PreventionGenetics, part of Exact Sciences
Classification: Uncertain significance for SCN10A-related condition. Last evaluated: 2025-12-19. Review status: criteria provided, single submitter. Criteria: ACMG Guidelines, 2015. Collection method: clinical testing. Allele origin: germline.
Comment: The SCN10A c.3675T>G variant is predicted to result in the amino acid substitution p.Ile1225Met. This variant was reported in an individual with sudden cardiac arrest; however, additional support for pathogenicity was not provided (Asatryan et al. 2019. PubMed ID: 30975432). This variant is reported in 0.0085% of alleles in individuals of European (non-Finnish) descent in gnomAD, which may be too frequent to be a primary cause of disease. At this time, the clinical significance of this variant is uncertain due to the absence of conclusive functional and genetic evidence.

Labcorp Genetics (formerly Invitae), Labcorp
Classification: Uncertain significance for Brugada syndrome. Last evaluated: 2025-04-13. Review status: criteria provided, single submitter. Criteria: Invitae Variant Classification Sherloc (09022015). Collection method: clinical testing. Allele origin: germline.
Comment: This sequence change replaces isoleucine, which is neutral and non-polar, with methionine, which is neutral and non-polar, at codon 1225 of the SCN10A protein (p.Ile1225Met). This variant is present in population databases (rs371834340, gnomAD 0.008%). This missense change has been observed in individual(s) with sudden cardiac arrest (PMID: 30975432). ClinVar contains an entry for this variant (Variation ID: 532074). Invitae Evidence Modeling of protein sequence and biophysical properties (such as structural, functional, and spatial information, amino acid conservation, physicochemical variation, residue mobility, and thermodynamic stability) indicates that this missense variant is expected to disrupt SCN10A protein function with a positive predictive value of 80%. In summary, the available evidence is currently insufficient to determine the role of this variant in disease. Therefore, it has been classified as a Variant of Uncertain Significance.

Mayo Clinic Laboratories, Mayo Clinic
Classification: Uncertain significance. Last evaluated: 2025-03-18. Review status: criteria provided, single submitter. Criteria: ACMG Guidelines, 2015. Collection method: clinical testing. Allele origin: germline. Observed: 2 variant alleles.
Comment: BS2, PP3

GeneDx
Classification: Uncertain significance. Last evaluated: 2023-06-01. Review status: criteria provided, single submitter. Criteria: GeneDx Variant Classification Process June 2021. Collection method: clinical testing. Allele origin: germline. Affected: yes.
Comment: Identified in an individual with history of sudden cardiac arrest who also harbored other cardiogenetic variant(s) (Asatryan et al., 2019); In silico analysis supports that this missense variant has a deleterious effect on protein structure/function; In silico analysis suggests this variant may impact gene splicing. In the absence of RNA/functional studies, the actual effect of this sequence change is unknown.; This variant is associated with the following publications: (PMID: 30975432)

Ambry Genetics
Classification: Likely benign for Cardiovascular phenotype. Last evaluated: 2019-09-05. Review status: criteria provided, single submitter. Criteria: Ambry Variant Classification Scheme 2023. Collection method: clinical testing. Allele origin: germline.

Literature cited by the submitters: PubMed 30975432 (cited by Labcorp Genetics (formerly Invitae), Labcorp and Mayo Clinic Laboratories, Mayo Clinic).